The following is an entry in ClinVar:

NM_015338.6(ASXL1):c.2518C>A (p.Pro840Thr)

Gene: ASXL1 (ASXL transcriptional regulator 1; plus strand). Cytogenetic location: 20q11.21.
Variant type: single nucleotide variant.
Coding change: c.2518C>A on transcript NM_015338.6 (MANE Select); coding-DNA position 2518, C replaced by A.
Protein change: p.Pro840Thr; replaces proline 840 with threonine.
Molecular consequence: missense variant.
Genome position (GRCh38, 1-based): chr20:32,435,230, C>A. VCF-style: chr20-32435230-C-A. GRCh37 (hg19) VCF-style: chr20-31023033-C-A.
Other names: c.2335C>A, p.Pro779Thr (NM_001363734.1); short protein forms P840T, P779T.
Identifiers: ClinVar variation 2009517 (VCV002009517.4), dbSNP rs2011750704, ClinGen allele CA408560035.

ClinVar aggregate classification (germline): Uncertain significance (1 of 4 stars; one submission).

Submission:

Labcorp Genetics (formerly Invitae), Labcorp
Classification: Uncertain significance. Last evaluated: 2025-08-21. Review status: criteria provided, single submitter. Criteria: Invitae Variant Classification Sherloc (09022015). Collection method: clinical testing. Allele origin: germline.
Comment: This sequence change replaces proline, which is neutral and non-polar, with threonine, which is neutral and polar, at codon 840 of the ASXL1 protein (p.Pro840Thr). This variant is not present in population databases (gnomAD no frequency). This variant has not been reported in the literature in individuals affected with ASXL1-related conditions. ClinVar contains an entry for this variant (Variation ID: 2009517). An algorithm developed to predict the effect of missense changes on protein structure and function (PolyPhen-2) suggests that this variant is likely to be disruptive. In summary, the available evidence is currently insufficient to determine the role of this variant in disease. Therefore, it has been classified as a Variant of Uncertain Significance.